The following is an entry in ClinVar:

NM_001042492.3(NF1):c.1944_1954dup (p.Arg652fs)

Gene: NF1 (neurofibromin 1; plus strand). Cytogenetic location: 17q11.2.
Variant type: Duplication.
Coding change: c.1944_1954dup on transcript NM_001042492.3 (MANE Select); coding-DNA positions 1944 to 1954, 11 bases duplicated (AGAATTACTAC).
Protein change: p.Arg652fs; shifts the reading frame from arginine 652.
Molecular consequence: frameshift variant.
Genome position (GRCh38, 1-based): chr17:31,225,193-31,225,203, AGAATTACTAC duplicated. VCF-style (leftmost placement, unchanged base first): chr17-31225192-A-AAGAATTACTAC. GRCh37 (hg19) VCF-style: chr17-29552210-A-AAGAATTACTAC.
Other names: c.1944_1954dup, p.Arg652Glnfs (NM_000267.4); short protein forms R652fs.
Identifiers: ClinVar variation 2100377 (VCV002100377.4), dbSNP rs2508142043, ClinGen allele CA2580092919.
Genomic context (GRCh38, chr17:31,225,192, plus strand): 5'-ACGGGGTAGGATGTGATATTCCTTCTAGTGGAAATACCAGTCAAATGTCCATGGATCATG[A>AAGAATTACTAC]AGAATTACTACGTACTCCTGGAGCCTCTCTCCGGAAGGGAAAAGGGAACTCCTCTATGGT-3'

ClinVar aggregate classification (germline): Pathogenic (1 of 4 stars; one submission).

Conditions:
Neurofibromatosis, type 1 (NF1). Also called: Peripheral type neurofibromatosis; NEUROFIBROMATOSIS, TYPE I, SOMATIC; VON RECKLINGHAUSEN DISEASE; Neurofibromatosis, type I. Identifiers: Orphanet 636, MedGen C0027831, MONDO:0018975, OMIM 162200. Disease mechanism: loss of function.

Submission:

Labcorp Genetics (formerly Invitae), Labcorp
Classification: Pathogenic for Neurofibromatosis, type 1. Last evaluated: 2022-07-06. Review status: criteria provided, single submitter. Criteria: Invitae Variant Classification Sherloc (09022015). Collection method: clinical testing. Allele origin: germline.
Comment: For these reasons, this variant has been classified as Pathogenic. This variant has not been reported in the literature in individuals affected with NF1-related conditions. This variant is not present in population databases (gnomAD no frequency). This sequence change creates a premature translational stop signal (p.Arg652Glnfs*40) in the NF1 gene. It is expected to result in an absent or disrupted protein product. Loss-of-function variants in NF1 are known to be pathogenic (PMID: 10712197, 23913538).

Literature cited by the submitters: PubMed 10712197; PubMed 23913538.